The following is an entry in ClinVar:

ClinVar aggregate classification (germline): Uncertain significance (1 of 4 stars; one submission).

Allele frequency attached by ClinVar (database versions not stated): TOPMed 0.00003.

Submission:

GeneDx
Classification: Uncertain significance. Last evaluated: 2022-05-02. Review status: criteria provided, single submitter. Criteria: GeneDx Variant Classification Process June 2021. Collection method: clinical testing. Allele origin: germline. Affected: yes.
Comment: Has not been previously published as pathogenic or benign to our knowledge; Not observed at significant frequency in large population cohorts (gnomAD); In silico analysis supports that this missense variant has a deleterious effect on protein structure/function

NM_003179.3(SYP):c.626T>G (p.Phe209Cys)

Gene: SYP (synaptophysin; minus strand). Cytogenetic location: Xp11.23.
Variant type: single nucleotide variant.
Coding change: c.626T>G on transcript NM_003179.3 (MANE Select); coding-DNA position 626, T replaced by G.
Protein change: p.Phe209Cys; replaces phenylalanine 209 with cysteine.
Molecular consequence: missense variant.
Genome position (GRCh38, 1-based): chrX:49,191,753, A>C on the plus strand (T>G on the coding strand, the complement: SYP is on the minus strand). VCF-style: chrX-49191753-A-C. GRCh37 (hg19) VCF-style: chrX-49048210-A-C.
Other names: short protein forms F209C.
Identifiers: ClinVar variation 1683820 (VCV001683820.2), dbSNP rs1040270887, ClinGen allele CA329130953.